The following is an entry in ClinVar:

ClinVar aggregate classification (germline): Uncertain significance. Review status: criteria provided, multiple submitters, no conflicts (2 of 4 stars). 5 submissions from 5 submitters: Uncertain significance (5). Last evaluated 2025-01-02.

Conditions:
UNC80-related disorder. Also called: UNC80-related condition.
Hypotonia, infantile, with psychomotor retardation and characteristic facies 2 (IHPRF2). Also called: UNC80 Deficiency. Identifiers: Orphanet 371364, Orphanet 700333, MedGen C4225203, MONDO:0014777, OMIM 616801.
Inborn genetic diseases. Identifiers: MedGen C0950123, MeSH D030342.

Allele frequency attached by ClinVar (database versions not stated): gnomAD exomes 0.00003; gnomAD 0.00015; TOPMed 0.00042; 1000 Genomes Project 30x 0.00062.
gnomAD v4.1: 64 of 1,551,704 alleles (0.0041%); highest among the groups gnomAD compares: Admixed American, 0.059%; no homozygotes.

Submissions (5):

PreventionGenetics, part of Exact Sciences
Classification: Uncertain significance for UNC80-related condition. Last evaluated: 2025-01-02. Review status: criteria provided, single submitter. Criteria: ACMG Guidelines, 2015. Collection method: clinical testing. Allele origin: germline.
Comment: The UNC80 c.8521G>A variant is predicted to result in the amino acid substitution p.Val2841Met. To our knowledge, this variant has not been reported in the literature. This variant is reported in 0.0080% of alleles in individuals of East Asian descent in gnomADv2 (as displayed in the table above). However, in gnomAD v4 (available only on GRCh38), this variant is reported in 0.059% of alleles in individuals of Admixed American descent. which may be too common to be an undocumented cause of UNC80-related disorder. Although we suspect that this variant may be benign, the clinical significance of this variant is classified as uncertain at this time due to insufficient functional and genetic evidence.

Ambry Genetics
Classification: Uncertain significance for Inborn genetic diseases. Last evaluated: 2024-10-20. Review status: criteria provided, single submitter. Criteria: Ambry Variant Classification Scheme 2023. Collection method: clinical testing. Allele origin: germline.

Blueprint Genetics
Classification: Uncertain significance. Last evaluated: 2024-09-26. Review status: criteria provided, single submitter. Criteria: ACMG Guidelines, 2015. Collection method: clinical testing. Allele origin: germline.

Labcorp Genetics (formerly Invitae), Labcorp
Classification: Uncertain significance. Last evaluated: 2022-08-31. Review status: criteria provided, single submitter. Criteria: Invitae Variant Classification Sherloc (09022015). Collection method: clinical testing. Allele origin: germline.
Comment: This sequence change replaces valine, which is neutral and non-polar, with methionine, which is neutral and non-polar, at codon 2841 of the UNC80 protein (p.Val2841Met). This variant is present in population databases (rs758252802, gnomAD 0.008%). This variant has not been reported in the literature in individuals affected with UNC80-related conditions. ClinVar contains an entry for this variant (Variation ID: 1375398). Algorithms developed to predict the effect of missense changes on protein structure and function are either unavailable or do not agree on the potential impact of this missense change (SIFT: "Not Available"; PolyPhen-2: "Probably Damaging"; Align-GVGD: "Not Available"). In summary, the available evidence is currently insufficient to determine the role of this variant in disease. Therefore, it has been classified as a Variant of Uncertain Significance.

Fulgent Genetics
Classification: Uncertain significance for Hypotonia, infantile, with psychomotor retardation and characteristic facies 2. Last evaluated: 2021-10-17. Review status: criteria provided, single submitter. Criteria: ACMG Guidelines, 2015. Collection method: clinical testing. Allele origin: unknown.

NM_001371986.1(UNC80):c.8719G>A (p.Val2907Met)

Gene: UNC80 (unc-80 subunit of NALCN channel complex; plus strand). Cytogenetic location: 2q34.
Variant type: single nucleotide variant.
Coding change: c.8719G>A on transcript NM_001371986.1 (MANE Select); coding-DNA position 8719, G replaced by A.
Protein change: p.Val2907Met; replaces valine 2907 with methionine.
Molecular consequence: missense variant.
Genome position (GRCh38, 1-based): chr2:209,976,250, G>A. VCF-style: chr2-209976250-G-A. GRCh37 (hg19) VCF-style: chr2-210840974-G-A.
Other names: c.8521G>A, p.Val2841Met (NM_032504.2); c.8506G>A, p.Val2836Met (NM_182587.4); short protein forms V2836M, V2841M, V2907M.
Identifiers: ClinVar variation 1375398 (VCV001375398.7), dbSNP rs758252802, ClinGen allele CA64658647.